The following is an entry in ClinVar:

ClinVar aggregate classification (germline): Benign/Likely benign. Review status: criteria provided, multiple submitters, no conflicts (2 of 4 stars). 15 submissions from 15 submitters: Benign (9); Likely benign (1). 5 of the submissions do not count toward it. Last evaluated 2026-02-04.

Conditions:
Inborn genetic diseases. Identifiers: MedGen C0950123, MeSH D030342.
Neuronal ceroid lipofuscinosis. Also called: Neuronal Ceroid Lipofuscinoses. Identifiers: Orphanet 216, Orphanet 79263, MedGen C0027877, MONDO:0016295. Disease mechanism: loss of function.
Neuronal ceroid lipofuscinosis 5 (CLN5). Also called: CEROID LIPOFUSCINOSIS, NEURONAL, 5, VARIABLE AGE AT ONSET; CLN5-Related Neuronal Ceroid-Lipofuscinosis; Neuronal ceroid lipofuscinosis Finnish variant; NEURONAL CEROID LIPOFUSCINOSIS, LATE INFANTILE, FINNISH VARIANT. Identifiers: Orphanet 168491, Orphanet 228360, MedGen C1850442, MONDO:0009745, OMIM 256731.

Allele frequency attached by ClinVar (database versions not stated): 1000 Genomes Project 0.01298; 1000 Genomes Project 30x 0.01327; ESP Exome Variant Server 0.02260; gnomAD exomes 0.02392 and 0.03167; gnomAD 0.02454 and 0.02484; TOPMed 0.02520; ExAC 0.02693.
gnomAD v4.1: 49,699 of 1,605,390 alleles (3.1%); highest among the groups gnomAD compares: Non-Finnish European, 3.5%; 914 homozygotes.

Submissions (15):

Labcorp Genetics (formerly Invitae), Labcorp
Classification: Benign for Neuronal ceroid lipofuscinosis. Last evaluated: 2026-02-04. Review status: criteria provided, single submitter. Criteria: Invitae Variant Classification Sherloc (09022015). Collection method: clinical testing. Allele origin: germline.

Blueprint Genetics
Classification: Benign. Last evaluated: 2024-11-27. Review status: criteria provided, single submitter. Criteria: ACMG Guidelines, 2015. Collection method: clinical testing. Allele origin: germline.

Women's Health and Genetics/Laboratory Corporation of America, LabCorp
Classification: Benign. Last evaluated: 2022-07-12. Review status: criteria provided, single submitter. Criteria: LabCorp Variant Classification Summary - May 2015. Collection method: clinical testing. Allele origin: germline.

Genome-Nilou Lab
Classification: Benign for Neuronal ceroid lipofuscinosis 5. Last evaluated: 2021-07-10. Review status: criteria provided, single submitter. Criteria: ACMG Guidelines, 2015. Collection method: clinical testing. Allele origin: germline. Affected: no.

Illumina Laboratory Services, Illumina
Classification: Benign for Neuronal ceroid lipofuscinosis 5. Last evaluated: 2018-01-12. Review status: criteria provided, single submitter. Criteria: ICSL Variant Classification Criteria 13 December 2019. Collection method: clinical testing. Allele origin: germline.
Comment: This variant was observed in the ICSL laboratory as part of a predisposition screen in an ostensibly healthy population. It had not been previously curated by ICSL or reported in the Human Gene Mutation Database (HGMD: prior to June 1st, 2018), and was therefore a candidate for classification through an automated scoring system. Utilizing variant allele frequency, disease prevalence and penetrance estimates, and inheritance mode, an automated score was calculated to assess if this variant is too frequent to cause the disease. Based on the score and internal cut-off values, a variant classified as benign is not then subjected to further curation. The score for this variant resulted in a classification of benign for this disease.

Ambry Genetics
Classification: Benign for Inborn genetic diseases. Last evaluated: 2016-05-02. Review status: criteria provided, single submitter. Criteria: Ambry Variant Classification Scheme 2023. Collection method: clinical testing. Allele origin: germline.

Eurofins Ntd Llc (ga)
Classification: Benign. Last evaluated: 2013-08-12. Review status: criteria provided, single submitter. Criteria: EGL Classification Definitions 2015. Collection method: clinical testing. Allele origin: germline. Observed: 4 variant alleles, 4 heterozygotes.

GeneDx
Classification: Benign. Last evaluated: 2012-02-29. Review status: criteria provided, single submitter. Criteria: GeneDx Variant Classification (06012015). Collection method: clinical testing. Allele origin: germline. Affected: yes.
Comment: This variant is considered likely benign or benign based on one or more of the following criteria: it is a conservative change, it occurs at a poorly conserved position in the protein, it is predicted to be benign by multiple in silico algorithms, and/or has population frequency not consistent with disease.

Breakthrough Genomics
Classification: Likely benign. Review status: criteria provided, single submitter. Criteria: ACMG Guidelines, 2015. Collection method: not provided. Allele origin: germline. Inheritance: Autosomal recessive inheritance. Affected: yes.

PreventionGenetics, part of Exact Sciences
Classification: Benign. Review status: criteria provided, single submitter. Criteria: ACMG Guidelines, 2015. Collection method: clinical testing. Allele origin: germline.

Natera, Inc.
Classification: Benign for Neuronal ceroid lipofuscinosis 5. Last evaluated: 2020-09-16. Review status: no assertion criteria provided. Collection method: clinical testing. Allele origin: germline. Not counted in ClinVar's aggregate classification.

Mayo Clinic Laboratories, Mayo Clinic
Classification: Likely benign. Last evaluated: 2017-04-12. Review status: no assertion criteria provided. Collection method: clinical testing. Allele origin: unknown. Not counted in ClinVar's aggregate classification.

Genetic Services Laboratory, University of Chicago
Classification: Likely benign for AllHighlyPenetrant. Review status: no assertion criteria provided. Collection method: clinical testing. Allele origin: germline. Inheritance: Autosomal recessive inheritance. Not counted in ClinVar's aggregate classification.
Comment: Likely benign based on allele frequency in 1000 Genomes Project or ESP global frequency and its presence in a patient with a rare or unrelated disease phenotype. NOT Sanger confirmed.

Genome Diagnostics Laboratory, Amsterdam University Medical Center
Classification: Benign. Review status: no assertion criteria provided. Collection method: clinical testing. Allele origin: germline. Affected: yes. Study: VKGL Data-share Consensus. Not counted in ClinVar's aggregate classification.

Genome Diagnostics Laboratory, University Medical Center Utrecht
Classification: Benign. Review status: no assertion criteria provided. Collection method: clinical testing. Allele origin: germline. Affected: yes. Study: VKGL Data-share Consensus. Not counted in ClinVar's aggregate classification.

NM_006493.4(CLN5):c.87C>G (p.Ala29=)

Genes: CLN5 (CLN5 lysosomal BMP synthase; plus strand), LOC130009913 (ATAC-STARR-seq lymphoblastoid silent region 5414; plus strand). Cytogenetic location: 13q22.3.
Variant type: single nucleotide variant.
Coding change: c.87C>G on transcript NM_006493.4 (MANE Select); coding-DNA position 87, C replaced by G.
Protein change: p.Ala29=; no amino-acid change (alanine 29 retained).
Molecular consequence: synonymous variant.
Genome position (GRCh38, 1-based): chr13:76,992,185, C>G. VCF-style: chr13-76992185-C-G. GRCh37 (hg19) VCF-style: chr13-77566320-C-G.
Other names: p.A78A:GCC>GCG; c.234C>G, p.(=) (LRG_692t1); c.87C>G, p.Ala29= (NM_001366624.2).
Identifiers: ClinVar variation 95396 (VCV000095396.38), dbSNP rs138037471, ClinGen allele CA285659.